The following is an entry in ClinVar:

NM_000827.4(GRIA1):c.531T>C (p.Ile177=)

Gene: GRIA1 (glutamate ionotropic receptor AMPA type subunit 1; plus strand). Cytogenetic location: 5q33.2.
Variant type: single nucleotide variant.
Coding change: c.531T>C on transcript NM_000827.4 (MANE Select); coding-DNA position 531, T replaced by C.
Protein change: p.Ile177=; no amino-acid change (isoleucine 177 retained).
Molecular consequence: synonymous variant. On other transcripts: non-coding transcript variant (2).
Genome position (GRCh38, 1-based): chr5:153,650,400, T>C. VCF-style: chr5-153650400-T-C. GRCh37 (hg19) VCF-style: chr5-153029960-T-C.
Other names: c.531T>C, p.Ile177= (NM_001114183.2, NM_001364165.2); c.291T>C, p.Ile97= (NM_001258019.2); c.246T>C, p.Ile82= (NM_001258020.2); c.561T>C, p.Ile187= (NM_001258021.2, NM_001258022.2); c.324T>C, p.Ile108= (NM_001258023.1, NM_001364167.2); c.558T>C, p.Ile186= (NM_001364166.2).
Identifiers: ClinVar variation 3059187 (VCV003059187.2), dbSNP rs707176, ClinGen allele CA3524324.
Genomic context (GRCh38, chr5:153,650,400, plus strand): 5'-CCTGCAGAAAGTCCTGGATACAGCTGCTGAGAAGAACTGGCAGGTGACAGCAGTCAACAT[T>C]TTGACAACCACAGAGGAGGGATACCGGATGCTCTTTCAGGACCTGGAGAAGAAAAAGGAG-3'
Protein context (NP_000818.2, residues 167-187): EKNWQVTAVN[Ile177=]LTTTEEGYRM

ClinVar aggregate classification (germline): Benign (0 of 4 stars; one submission).

Conditions:
GRIA1-related disorder. Also called: GRIA1-related condition.

Allele frequency attached by ClinVar (database versions not stated): 1000 Genomes Project 0.15515; 1000 Genomes Project 30x 0.16271; TOPMed 0.25335; gnomAD 0.25916; ExAC 0.25982; ESP Exome Variant Server 0.27272; gnomAD exomes 0.30726.
gnomAD v4.1: 487,570 of 1,613,532 alleles (30%); highest among the groups gnomAD compares: Non-Finnish European, 34%; 79,191 homozygotes.

Submission:

PreventionGenetics, part of Exact Sciences
Classification: Benign for GRIA1-related condition. Last evaluated: 2023-11-29. Review status: no assertion criteria provided. Collection method: clinical testing. Allele origin: germline.
Comment: This variant is classified as benign based on ACMG/AMP sequence variant interpretation guidelines (Richards et al. 2015 PMID: 25741868, with internal and published modifications).